The following is an entry in ClinVar:

NM_000548.5(TSC2):c.2627C>T (p.Thr876Ile)

Gene: TSC2 (TSC complex subunit 2; plus strand). Cytogenetic location: 16p13.3.
Variant type: single nucleotide variant.
Coding change: c.2627C>T on transcript NM_000548.5 (MANE Select); coding-DNA position 2627, C replaced by T.
Protein change: p.Thr876Ile; replaces threonine 876 with isoleucine.
Molecular consequence: missense variant. On other transcripts: non-coding transcript variant (5).
Genome position (GRCh38, 1-based): chr16:2,075,880, C>T. VCF-style: chr16-2075880-C-T. GRCh37 (hg19) VCF-style: chr16-2125881-C-T.
Other names: c.2627C>T, p.Thr876Ile (NM_001370404.1, NM_001370405.1, NM_001406663.1 and 6 more transcripts); c.2717C>T, p.Thr906Ile (NM_001406667.1, NM_001406668.1); c.2516C>T, p.Thr839Ile (NM_001406670.1, NM_001318827.2, NM_001406678.1); c.2615C>T, p.Thr872Ile (NM_001406671.1, NM_001406673.1); c.2027C>T, p.Thr676Ile (NM_001406684.1, NM_001406685.1, NM_001406686.1 and 6 more transcripts); c.1283C>T, p.Thr428Ile (NM_001406689.1, NM_001406690.1, NM_001406691.1 and 6 more transcripts); c.1025C>T, p.Thr342Ile (NM_001406698.1); c.2480C>T, p.Thr827Ile (NM_001318829.2, NM_001406675.1, NM_001406676.1 and 1 more transcripts); and 3 more; short protein forms T722I, T827I, T839I, T872I, T857I, T876I, T428I, T676I.
Identifiers: ClinVar variation 3578796 (VCV003578796.3).

ClinVar aggregate classification (germline): Uncertain significance. Review status: criteria provided, multiple submitters, no conflicts (2 of 4 stars). 2 submissions from 2 submitters: Uncertain significance (2). Last evaluated 2024-04-27.

Conditions:
Lymphangiomyomatosis (LAM). Also called: Lymphangioleiomyomatosis; Lymphangioleiomyomatosis, somatic. Identifiers: Orphanet 538, MedGen C0751674, MONDO:0011705, OMIM 606690.
Tuberous sclerosis 2 (TSC2). Identifiers: Orphanet 805, MedGen C1860707, MONDO:0013199, OMIM 613254.
Isolated focal cortical dysplasia type II (FCORD2). Also called: CORTICAL DYSPLASIA OF TAYLOR; Focal cortical dysplasia type II. Identifiers: Orphanet 268994, MedGen C1846385, MONDO:0011818, OMIM 607341, HP:0032051.

Submissions (2):

Fulgent Genetics
Classification: Uncertain significance for Lymphangiomyomatosis; Isolated focal cortical dysplasia type II; Tuberous sclerosis 2. Last evaluated: 2024-04-27. Review status: criteria provided, single submitter. Criteria: ACMG Guidelines, 2015. Collection method: clinical testing. Allele origin: germline.

Labcorp Genetics (formerly Invitae), Labcorp
Classification: Uncertain significance for Tuberous sclerosis 2. Last evaluated: 2024-03-12. Review status: criteria provided, single submitter. Criteria: Invitae Variant Classification Sherloc (09022015). Collection method: clinical testing. Allele origin: germline.
Comment: This sequence change replaces threonine, which is neutral and polar, with isoleucine, which is neutral and non-polar, at codon 876 of the TSC2 protein (p.Thr876Ile). This variant is not present in population databases (gnomAD no frequency). This variant has not been reported in the literature in individuals affected with TSC2-related conditions. Advanced modeling of protein sequence and biophysical properties (such as structural, functional, and spatial information, amino acid conservation, physicochemical variation, residue mobility, and thermodynamic stability) performed at Invitae indicates that this missense variant is not expected to disrupt TSC2 protein function with a negative predictive value of 95%. In summary, the available evidence is currently insufficient to determine the role of this variant in disease. Therefore, it has been classified as a Variant of Uncertain Significance.